The following is an entry in ClinVar:

NM_139057.4(ADAMTS17):c.2799C>T (p.Cys933=)

Gene: ADAMTS17 (ADAM metallopeptidase with thrombospondin type 1 motif 17; minus strand). Cytogenetic location: 15q26.3.
Variant type: single nucleotide variant.
Coding change: c.2799C>T on transcript NM_139057.4 (MANE Select); coding-DNA position 2799, C replaced by T.
Protein change: p.Cys933=; no amino-acid change (cysteine 933 retained).
Molecular consequence: synonymous variant.
Genome position (GRCh38, 1-based): chr15:99,993,198, G>A on the plus strand (C>T on the coding strand, the complement: ADAMTS17 is on the minus strand). VCF-style: chr15-99993198-G-A. GRCh37 (hg19) VCF-style: chr15-100533403-G-A.
Other names: p.Cys933=.
Identifiers: ClinVar variation 788451 (VCV000788451.15), dbSNP rs146651611, ClinGen allele CA7757561.

ClinVar aggregate classification (germline): Conflicting classifications of pathogenicity. Review status: criteria provided, conflicting classifications (1 of 4 stars). 4 submissions from 4 submitters: Uncertain significance (1); Likely benign (3). Last evaluated 2026-02-01.

Conditions:
Weill-Marchesani 4 syndrome, recessive. Also called: Weill-Marchesani syndrome 4. Identifiers: Orphanet 363992, MedGen C2750787, MONDO:0013176, OMIM 613195.

Allele frequency attached by ClinVar (database versions not stated): 1000 Genomes Project 30x 0.00016; 1000 Genomes Project 0.00020; ESP Exome Variant Server 0.00054; gnomAD 0.00061 and 0.00062; TOPMed 0.00068; ExAC 0.00070; gnomAD exomes 0.00078 and 0.00090.
gnomAD v4.1: 1,391 of 1,614,166 alleles (0.086%); highest among the groups gnomAD compares: Non-Finnish European, 0.1%; 2 homozygotes.

Submissions (4):

Labcorp Genetics (formerly Invitae), Labcorp
Classification: Likely benign. Last evaluated: 2026-02-01. Review status: criteria provided, single submitter. Criteria: Invitae Variant Classification Sherloc (09022015). Collection method: clinical testing. Allele origin: germline.

Mayo Clinic Laboratories, Mayo Clinic
Classification: Likely benign. Last evaluated: 2025-09-02. Review status: criteria provided, single submitter. Criteria: ACMG Guidelines, 2015. Collection method: clinical testing. Allele origin: germline. Observed: 2 variant alleles.
Comment: BS1, BP4, BP7

Blueprint Genetics
Classification: Likely benign. Last evaluated: 2024-11-19. Review status: criteria provided, single submitter. Criteria: ACMG Guidelines, 2015. Collection method: clinical testing. Allele origin: germline.

Illumina Laboratory Services, Illumina
Classification: Uncertain significance for Weill-Marchesani 4 syndrome, recessive. Last evaluated: 2018-01-12. Review status: criteria provided, single submitter. Criteria: ICSL Variant Classification Criteria 13 December 2019. Collection method: clinical testing. Allele origin: germline.